The following is an entry in ClinVar:

ClinVar aggregate classification (germline): Uncertain significance (1 of 4 stars; one submission).

Conditions:
JMJD1C-related disorder. Also called: JMJD1C-related condition.

Allele frequency attached by ClinVar (database versions not stated): gnomAD exomes below 0.00001; gnomAD 0.00001; TOPMed 0.00001.
gnomAD v4.1: 7 of 1,613,894 alleles (0.00043%); highest among the groups gnomAD compares: Non-Finnish European, 0.00051%; no homozygotes.

Submission:

PreventionGenetics, part of Exact Sciences
Classification: Uncertain significance for JMJD1C-related condition. Last evaluated: 2023-05-17. Review status: criteria provided, single submitter. Criteria: ACMG Guidelines, 2015. Collection method: clinical testing. Allele origin: germline.
Comment: The JMJD1C c.1604A>C variant is predicted to result in the amino acid substitution p.Gln535Pro. To our knowledge, this variant has not been reported in the literature or in a large population database, indicating this variant is rare. At this time, the clinical significance of this variant is uncertain due to the absence of conclusive functional and genetic evidence.

NM_032776.3(JMJD1C):c.1604A>C (p.Gln535Pro)

Gene: JMJD1C (jumonji domain containing 1C; minus strand). Cytogenetic location: 10q21.3.
Variant type: single nucleotide variant.
Coding change: c.1604A>C on transcript NM_032776.3 (MANE Select); coding-DNA position 1604, A replaced by C.
Protein change: p.Gln535Pro; replaces glutamine 535 with proline.
Molecular consequence: missense variant. On other transcripts: non-coding transcript variant (1).
Genome position (GRCh38, 1-based): chr10:63,214,563, T>G on the plus strand (A>C on the coding strand, the complement: JMJD1C is on the minus strand). VCF-style: chr10-63214563-T-G. GRCh37 (hg19) VCF-style: chr10-64974323-T-G.
Other names: c.1058A>C, p.Gln353Pro (NM_001282948.2, NM_001318154.2); c.740A>C, p.Gln247Pro (NM_001318153.2); c.1490A>C, p.Gln497Pro (NM_001322252.2); c.947A>C, p.Gln316Pro (NM_001322254.2, NM_001322258.2); short protein forms Q247P, Q316P, Q353P, Q497P, Q535P.
Identifiers: ClinVar variation 2634065 (VCV002634065.1), dbSNP rs1847752500, ClinGen allele CA377048480.